The following is an entry in ClinVar:

ClinVar aggregate classification (germline): Uncertain significance (1 of 4 stars; one submission).

Conditions:
Autosomal dominant nonsyndromic hearing loss 20. Identifiers: Orphanet 90635, MedGen C1858172, MONDO:0011480, OMIM 604717.
Baraitser-winter syndrome 2. Identifiers: Orphanet 2995, MedGen C3281235, MONDO:0013812, OMIM 614583.

Submission:

Labcorp Genetics (formerly Invitae), Labcorp
Classification: Uncertain significance for Baraitser-winter syndrome 2; Autosomal dominant nonsyndromic hearing loss 20. Last evaluated: 2023-03-27. Review status: criteria provided, single submitter. Criteria: Invitae Variant Classification Sherloc (09022015). Collection method: clinical testing. Allele origin: unknown.
Comment: In summary, the available evidence is currently insufficient to determine the role of this variant in disease. Therefore, it has been classified as a Variant of Uncertain Significance. Experimental studies and prediction algorithms are not available or were not evaluated, and the functional significance of this variant is currently unknown. This variant has not been reported in the literature in individuals affected with ACTG1-related conditions. A copy number gain of the genomic region encompassing the full coding sequence of the ACTG1 gene has been identified. The boundaries of this event are unknown as they extend beyond the assayed region for this gene and therefore may encompass additional genes. As the precise location of this event is unknown, it may be in tandem or it may be located elsewhere in the genome.

NC_000017.10:g.(?_79477716)_(79479380_?)dup

Gene: ACTG1 (actin gamma 1; minus strand). Cytogenetic location: 17q25.3.
Variant type: Duplication.
Identifiers: ClinVar variation 3243101 (VCV003243101.1).